The following is an entry in ClinVar:

NM_144670.6(A2ML1):c.271G>A (p.Glu91Lys)

Genes: A2ML1 (alpha-2-macroglobulin like 1; plus strand), A2ML1-AS1 (A2ML1 antisense RNA 1; minus strand). Cytogenetic location: 12p13.31.
Variant type: single nucleotide variant.
Coding change: c.271G>A on transcript NM_144670.6 (MANE Select); coding-DNA position 271, G replaced by A.
Protein change: p.Glu91Lys; replaces glutamic acid 91 with lysine.
Molecular consequence: missense variant.
Genome position (GRCh38, 1-based): chr12:8,823,744, G>A. VCF-style: chr12-8823744-G-A. GRCh37 (hg19) VCF-style: chr12-8976340-G-A.
Other names: short protein forms E91K.
Identifiers: ClinVar variation 862682 (VCV000862682.13), dbSNP rs771663545, ClinGen allele CA6435225.

ClinVar aggregate classification (germline): Uncertain significance. Review status: criteria provided, multiple submitters, no conflicts (2 of 4 stars). 2 submissions from 2 submitters: Uncertain significance (2). Last evaluated 2025-08-11.

Allele frequency attached by ClinVar (database versions not stated): gnomAD 0.00005 and 0.00006; TOPMed 0.00007; ExAC 0.00002.
gnomAD v4.1: 18 of 1,613,862 alleles (0.0011%); highest among the groups gnomAD compares: African/African-American, 0.016%; no homozygotes.

Submissions (2):

Labcorp Genetics (formerly Invitae), Labcorp
Classification: Uncertain significance. Last evaluated: 2025-08-11. Review status: criteria provided, single submitter. Criteria: Invitae Variant Classification Sherloc (09022015). Collection method: clinical testing. Allele origin: germline.
Comment: This sequence change replaces glutamic acid, which is acidic and polar, with lysine, which is basic and polar, at codon 91 of the A2ML1 protein (p.Glu91Lys). This variant is present in population databases (rs771663545, gnomAD 0.02%). This variant has not been reported in the literature in individuals affected with A2ML1-related conditions. ClinVar contains an entry for this variant (Variation ID: 862682). An algorithm developed to predict the effect of missense changes on protein structure and function (PolyPhen-2) suggests that this variant is likely to be tolerated. In summary, the available evidence is currently insufficient to determine the role of this variant in disease. Therefore, it has been classified as a Variant of Uncertain Significance.

Ambry Genetics
Classification: Uncertain significance. Last evaluated: 2023-07-15. Review status: criteria provided, single submitter. Criteria: Ambry Variant Classification Scheme 2023. Collection method: clinical testing. Allele origin: germline.
Comment: The p.E91K variant (also known as c.271G>A), located in coding exon 3 of the A2ML1 gene, results from a G to A substitution at nucleotide position 271. The glutamic acid at codon 91 is replaced by lysine, an amino acid with similar properties. This amino acid position is conserved. In addition, this alteration is predicted to be tolerated by in silico analysis. Since supporting evidence is limited at this time, the clinical significance of this alteration remains unclear.